The following is an entry in ClinVar:

ClinVar aggregate classification (germline): Likely pathogenic (1 of 4 stars; one submission).

Conditions:
Glycogen storage disease type III (GSD3). Also called: FORBES DISEASE; Cori disease. Identifiers: Orphanet 366, MedGen C0017922, MONDO:0009291, OMIM 232400.

Submission:

Natera, Inc.
Classification: Likely pathogenic for Glycogen storage disease type III. Last evaluated: 2025-12-15. Review status: criteria provided, single submitter. Criteria: Natera Variant Classification Schema (03/2026). Collection method: clinical testing. Allele origin: germline.
Comment: The c.965_966insTGACAGTTTTAATCTCTTTGTAGATATTTGCATTTAAGGTATCATCTTTTCTTTCTTTTAGAAAATAGTGACAGTTTTAATCTCTTTGAAGATCTCTGCATTTAAGGTATAATCTGTTCTTTCTTTTAGAAAATAGAAAATAG variant in AGL is a frameshift variant predicted to shift the reading frame beginning at codon 322 and leads to a stop codon 13 codons downstream. This variant is expected to result in nonsense mediated decay, truncation, or a dysfunctional protein product. This variant is rare in the general population with a frequency below the threshold expected for the associated phenotype(s). Given the available evidence, this variant is classified as Likely Pathogenic.

NM_000642.2(AGL):c.965_966insTGACAGTTTTAATCTCTTTGTAGATATTTGCATTTAAGGTATCATCTTTTCTTTCTTTTAGAAAATAGTGACAGTTTTAATCTCTTTGAAGATCTCTGCATTTAAGGTATAATCTGTTCTTTCTTTTAGAAAATAGAAAATAG

Gene: AGL (amylo-alpha-1,6-glucosidase and 4-alpha-glucanotransferase; plus strand). Cytogenetic location: 1p21.2.
Variant type: Insertion.
Coding change: c.965_966insTGACAGTTTTAATCTCTTTGTAGATATTTGCATTTAAGGTATCATCTTTTCTTTCTTTTAGAAAATAGTGACAGTTTTAATCTCTTTGAAGATCTCTGCATTTAAGGTATAATCTGTTCTTTCTTTTAGAAAATAGAAAATAG on transcript NM_000642.2; coding-DNA positions 965 to 966, TGACAGTTTTAATCTCTTTGTAGATATTTGCATTTAAGGTATCATCTTTTCTTTCTTTTAGAAAATAGTGACAGTTTTAATCTCTTTGAAGATCTCTGCATTTAAGGTATAATCTGTTCTTTCTTTTAGAAAATAGAAAATAG inserted.
Genome position: GRCh38: chr1:99,874,693-99,874,694. GRCh37 (hg19): chr1:100,340,249-100,340,250.
Identifiers: ClinVar variation 4814461 (VCV004814461.1).